The following is an entry in ClinVar:

ClinVar aggregate classification (germline): Pathogenic (1 of 4 stars; one submission).

Conditions:
Severe myoclonic epilepsy in infancy (DRVT). Also called: Epileptic encephalopathy, early infantile, 6 (Dravet syndrome); SEVERE MYOCLONIC EPILEPSY OF INFANCY; DEVELOPMENTAL AND EPILEPTIC ENCEPHALOPATHY 6A; Severe Myoclonic Epilepsy in Infancy (SMEI); Dravet syndrome. Identifiers: Orphanet 33069, MedGen C0751122, MONDO:0100135, OMIM 607208.

Submission:

Center for Bioinformatics, Peking University
Classification: Pathogenic for Dravet syndrome. Last evaluated: 2014-12-20. Review status: criteria provided, single submitter. Criteria: Xu et al. (Hum Mutat. 2015). Collection method: research. Allele origin: de novo. Affected: yes. Observed: 1 variant allele. Study: University Clinical Cooperation “985 Project” PKU-2014-1-1.
Comment: Dravet syndrome (DS) probands were recruited from the outpatient and inpatient child neurology units of Peking University First Hospital from 2005 till present. The study was approved by the Ethics Committee of Peking University First Hospital and the Institutional Review Board at Peking University. Participants or their parents provided written informed consent before enrollment. We collected a total of 267 mutations from 255 families with probands diagnosed with DS in China. All probands fulfilled the clinical diagnostic criteria.

NM_001165963.4(SCN1A):c.3879+1G>T

Genes: SCN1A (sodium voltage-gated channel alpha subunit 1; minus strand), LOC102724058 (uncharacterized LOC102724058; plus strand). Cytogenetic location: 2q24.3.
Variant type: single nucleotide variant.
Coding change: c.3879+1G>T on transcript NM_001165963.4 (MANE Select); the canonical splice donor site of the intron after coding-DNA position 3879, G replaced by T.
Molecular consequence: splice donor variant.
Genome position (GRCh38, 1-based): chr2:166,012,108, C>A on the plus strand (G>T on the coding strand, the complement: SCN1A is on the minus strand). VCF-style: chr2-166012108-C-A. GRCh37 (hg19) VCF-style: chr2-166868618-C-A.
Other names: c.3846+1G>T (NM_001353949.2, NM_001353950.2, NM_001353951.2 and 2 more transcripts); c.3795+1G>T (NM_001353958.2, NM_001353957.2, NM_001165964.3); c.3879+1G>T (NM_001202435.3, NM_001353948.2); c.3843+1G>T (NM_001353955.2, NM_001353954.2); c.3792+1G>T (NM_001353960.2); c.1437+1G>T (NM_001353961.2).
Identifiers: ClinVar variation 189847 (VCV000189847.1), dbSNP rs794726700, ClinGen allele CA303103.